The following is an entry in ClinVar:

ClinVar aggregate classification (germline): Conflicting classifications of pathogenicity. Review status: criteria provided, conflicting classifications (1 of 4 stars). 8 submissions from 8 submitters: Uncertain significance (3); Benign (1); Likely benign (3). 1 of the submissions does not count toward it. Last evaluated 2026-01-27.

Conditions:
MYH11-related disorder. Also called: MYH11-related condition.
Aortic aneurysm, familial thoracic 4 (AAT4). Also called: AORTIC ANEURYSM/AORTIC DISSECTION AND PATENT DUCTUS ARTERIOSUS. Identifiers: MedGen C1851504, MONDO:0007568, OMIM 132900.
Familial thoracic aortic aneurysm and aortic dissection (TAAD). Also called: Thoracic aortic aneurysms and dissections. Identifiers: Orphanet 91387, MedGen C4707243, MONDO:0019625.

Submissions (8):

Labcorp Genetics (formerly Invitae), Labcorp
Classification: Benign for Aortic aneurysm, familial thoracic 4. Last evaluated: 2026-01-27. Review status: criteria provided, single submitter. Criteria: Invitae Variant Classification Sherloc (09022015). Collection method: clinical testing. Allele origin: germline.

CHEO Genetics Diagnostic Laboratory, Children's Hospital of Eastern Ontario
Classification: Uncertain significance for Familial thoracic aortic aneurysm and aortic dissection. Last evaluated: 2023-04-04. Review status: criteria provided, single submitter. Criteria: ACMG Guidelines, 2015. Collection method: clinical testing. Allele origin: germline. Study: Canadian Open Genetics Repository.

Mayo Clinic Laboratories, Mayo Clinic
Classification: Uncertain significance. Last evaluated: 2023-02-21. Review status: criteria provided, single submitter. Criteria: ACMG Guidelines, 2015. Collection method: clinical testing. Allele origin: germline. Observed: 2 variant alleles.

Color Diagnostics, LLC DBA Color Health
Classification: Likely benign for Familial thoracic aortic aneurysm and aortic dissection. Last evaluated: 2019-12-16. Review status: criteria provided, single submitter. Criteria: ACMG Guidelines, 2015. Collection method: clinical testing. Allele origin: germline.

Women's Health and Genetics/Laboratory Corporation of America, LabCorp
Classification: Likely benign. Last evaluated: 2019-04-01. Review status: criteria provided, single submitter. Criteria: LabCorp Variant Classification Summary - May 2015. Collection method: clinical testing. Allele origin: germline.
Comment: Variant summary: MYH11 c.5819dupC (p.Gln1941ThrfsX20) changes the termination codon and is predicted to lead to an extended protein with additional amino acids added to the normal C-terminus. MYH11 c.5819dupC (p.Gln1941ThrfsX20) causes a frameshift which results in an extension of the protein. The variant allele was found at a frequency of 0.0038 in 81378 control chromosomes, predominantly at a frequency of 0.0048 within the Non-Finnish European subpopulation in the ExAC database. The observed variant frequency within Non-Finnish European control individuals in the ExAC database is approximately 3840 fold of the estimated maximal expected allele frequency for a pathogenic variant in MYH11 causing Aortopathy phenotype (1.3e-06), strongly suggesting that the variant is a benign polymorphism found primarily in populations of Non-Finnish European origin. To our knowledge, no occurrence of c.5819dupC in individuals affected with Aortopathy and no experimental evidence demonstrating its impact on protein function have been reported. Two clinical diagnostic laboratories have submitted clinical-significance assessments for this variant to ClinVar after 2014 without evidence for independent evaluation. All laboratories classified the variant as benign/likely benign. Based on the evidence outlined above, the variant was classified as likely benign.

CeGaT Center for Human Genetics Tuebingen
Classification: Uncertain significance. Last evaluated: 2019-03-01. Review status: criteria provided, single submitter. Criteria: CeGaT Center For Human Genetics Tuebingen Variant Classification Criteria Version 2. Collection method: clinical testing. Allele origin: germline. Affected: yes. Observed: 1 variant allele.

GeneDx
Classification: Likely benign. Last evaluated: 2017-11-06. Review status: criteria provided, single submitter. Criteria: GeneDx Variant Classification (06012015). Collection method: clinical testing. Allele origin: germline. Affected: yes.
Comment: This variant is considered likely benign or benign based on one or more of the following criteria: it is a conservative change, it occurs at a poorly conserved position in the protein, it is predicted to be benign by multiple in silico algorithms, and/or has population frequency not consistent with disease.

PreventionGenetics, part of Exact Sciences
Classification: Likely benign for MYH11-related condition. Last evaluated: 2021-09-17. Review status: no assertion criteria provided. Collection method: clinical testing. Allele origin: germline. Not counted in ClinVar's aggregate classification.
Comment: This variant is classified as likely benign based on ACMG/AMP sequence variant interpretation guidelines (Richards et al. 2015 PMID: 25741868, with internal and published modifications).

NM_001040113.2(MYH11):c.5819dup (p.Gln1941fs)

Genes: MYH11 (myosin heavy chain 11; minus strand), NDE1 (nudE neurodevelopment protein 1; plus strand). Cytogenetic location: 16p13.11.
Variant type: Duplication.
Coding change: c.5819dup on transcript NM_001040113.2 (MANE Plus Clinical); coding-DNA position 5819, one base duplicated (C; older notation c.5819dupC).
Protein change: p.Gln1941fs; shifts the reading frame from glutamine 1941.
Molecular consequence: frameshift variant. On other transcripts: intron variant (4).
Genome position (GRCh38, 1-based): chr16:15,708,830, G duplicated on the plus strand (C on the coding strand, the reverse complement: MYH11 is on the minus strand); the first of 8 consecutive G bases (chr16:15,708,830-15,708,837); duplicating any one gives the same sequence. VCF-style (leftmost placement, unchanged base first): chr16-15708829-T-TG. GRCh37 (hg19) VCF-style: chr16-15802686-T-TG.
Other names: p.Gln1941Thrfs*20; c.5798dup, p.Gln1934fs (NM_022844.3); c.947+11977dup (NM_001143979.2, NM_017668.3); c.5787-4707dup (NM_002474.3); c.5808-4707dup (NM_001040114.2); short protein forms Q1934fs, Q1941fs.
Identifiers: ClinVar variation 238263 (VCV000238263.59), dbSNP rs747392139, ClinGen allele CA7921102.